The following is an entry in ClinVar:

ClinVar aggregate classification (germline): Uncertain significance (1 of 4 stars; one submission).

Conditions:
Tuberous sclerosis 2 (TSC2). Identifiers: Orphanet 805, MedGen C1860707, MONDO:0013199, OMIM 613254.

Submission:

Labcorp Genetics (formerly Invitae), Labcorp
Classification: Uncertain significance for Tuberous sclerosis 2. Last evaluated: 2020-01-25. Review status: criteria provided, single submitter. Criteria: Invitae Variant Classification Sherloc (09022015). Collection method: clinical testing. Allele origin: germline.
Comment: This variant is not present in population databases (ExAC no frequency). This sequence change replaces valine with phenylalanine at codon 1034 of the TSC2 protein (p.Val1034Phe). The valine residue is moderately conserved and there is a small physicochemical difference between valine and phenylalanine. In summary, the available evidence is currently insufficient to determine the role of this variant in disease. Therefore, it has been classified as a Variant of Uncertain Significance. Algorithms developed to predict the effect of missense changes on protein structure and function are either unavailable or do not agree on the potential impact of this missense change (SIFT: "Deleterious"; PolyPhen-2: "Probably Damaging"; Align-GVGD: "Class C0"). This variant has not been reported in the literature in individuals with TSC2-related conditions.

NM_000548.5(TSC2):c.3100G>T (p.Val1034Phe)

Gene: TSC2 (TSC complex subunit 2; plus strand). Cytogenetic location: 16p13.3.
Variant type: single nucleotide variant.
Coding change: c.3100G>T on transcript NM_000548.5 (MANE Select); coding-DNA position 3100, G replaced by T.
Protein change: p.Val1034Phe; replaces valine 1034 with phenylalanine.
Molecular consequence: missense variant.
Genome position (GRCh38, 1-based): chr16:2,079,165, G>T. VCF-style: chr16-2079165-G-T. GRCh37 (hg19) VCF-style: chr16-2129166-G-T.
Other names: c.2968G>T, p.Val990Phe (NM_001077183.3, NM_001370404.1); c.3100G>T, p.Val1034Phe (NM_001114382.3); c.2860G>T, p.Val954Phe (NM_001318827.2); c.2824G>T, p.Val942Phe (NM_001318829.2); c.2368G>T, p.Val790Phe (NM_001318831.2); c.3001G>T, p.Val1001Phe (NM_001318832.2); c.2971G>T, p.Val991Phe (NM_001363528.2, NM_001370405.1, NM_021055.3); short protein forms V942F, V1034F, V1001F, V790F, V954F, V990F, V991F.
Identifiers: ClinVar variation 854649 (VCV000854649.9), dbSNP rs146745242, ClinGen allele CA394284763.